The following is an entry in ClinVar:

NM_181507.2(HPS5):c.514A>G (p.Ile172Val)

Gene: HPS5 (HPS5 biogenesis of lysosomal organelles complex 2 subunit 2; minus strand). Cytogenetic location: 11p15.1.
Variant type: single nucleotide variant.
Coding change: c.514A>G on transcript NM_181507.2 (MANE Select); coding-DNA position 514, A replaced by G.
Protein change: p.Ile172Val; replaces isoleucine 172 with valine.
Molecular consequence: missense variant.
Genome position (GRCh38, 1-based): chr11:18,309,043, T>C on the plus strand (A>G on the coding strand, the complement: HPS5 is on the minus strand). VCF-style: chr11-18309043-T-C. GRCh37 (hg19) VCF-style: chr11-18330590-T-C.
Other names: p.Ile172Val; c.172A>G, p.Ile58Val (NM_007216.4, NM_181508.2); short protein forms I58V, I172V.
Identifiers: ClinVar variation 2171031 (VCV002171031.4), dbSNP rs528209928, ClinGen allele CA5910412.

ClinVar aggregate classification (germline): Uncertain significance. Review status: criteria provided, multiple submitters, no conflicts (2 of 4 stars). 3 submissions from 3 submitters: Uncertain significance (3). Last evaluated 2024-05-23.

Conditions:
Inborn genetic diseases. Identifiers: MedGen C0950123, MeSH D030342.

Allele frequency attached by ClinVar (database versions not stated): gnomAD exomes 0.00001; gnomAD 0.00003; TOPMed 0.00003; ExAC 0.00004; 1000 Genomes Project 30x 0.00016; 1000 Genomes Project 0.00020.

Submissions (4):

Mayo Clinic Laboratories, Mayo Clinic
Classification: Uncertain significance. Last evaluated: 2024-05-23. Review status: criteria provided, single submitter. Criteria: ACMG Guidelines, 2015. Collection method: clinical testing. Allele origin: germline. Observed: 1 variant allele.
Comment: BP4, PM1_supporting, PM2_moderate

Ambry Genetics
Classification: Uncertain significance for Inborn genetic diseases. Last evaluated: 2022-11-08. Review status: criteria provided, single submitter. Criteria: Ambry Variant Classification Scheme 2023. Collection method: clinical testing. Allele origin: germline.

Labcorp Genetics (formerly Invitae), Labcorp
Classification: Uncertain significance. Last evaluated: 2022-07-22. Review status: criteria provided, single submitter. Criteria: Invitae Variant Classification Sherloc (09022015). Collection method: clinical testing. Allele origin: germline.
Comment: This sequence change replaces isoleucine, which is neutral and non-polar, with valine, which is neutral and non-polar, at codon 172 of the HPS5 protein (p.Ile172Val). This variant is present in population databases (rs528209928, gnomAD 0.02%). This variant has not been reported in the literature in individuals affected with HPS5-related conditions. Algorithms developed to predict the effect of missense changes on protein structure and function output the following: SIFT: "Tolerated"; PolyPhen-2: "Benign"; Align-GVGD: "Class C0". The valine amino acid residue is found in multiple mammalian species, which suggests that this missense change does not adversely affect protein function. In summary, the available evidence is currently insufficient to determine the role of this variant in disease. Therefore, it has been classified as a Variant of Uncertain Significance.

Dr. Peter K. Rogan Lab, Western University
No classification provided (evidence only). Condition: Thymoma. Review status: no classification provided. Collection method: in vitro. Allele origin: not applicable. Functional consequence: retained intron. Not counted in ClinVar's aggregate classification.